The following is an entry in ClinVar:

NM_000091.5(COL4A3):c.3338-7T>C

Genes: COL4A3 (collagen type IV alpha 3 chain; plus strand), MFF-DT (MFF divergent transcript; minus strand). Cytogenetic location: 2q36.3.
Variant type: single nucleotide variant.
Coding change: c.3338-7T>C on transcript NM_000091.5 (MANE Select); 7 bases into the intron before coding-DNA position 3338, T replaced by C.
Molecular consequence: intron variant.
Genome position (GRCh38, 1-based): chr2:227,294,483, T>C. VCF-style: chr2-227294483-T-C. GRCh37 (hg19) VCF-style: chr2-228159199-T-C.
Identifiers: ClinVar variation 755346 (VCV000755346.9), dbSNP rs1429135743, ClinGen allele CA539903768.
Genomic context (GRCh38, chr2:227,294,483, plus strand): 5'-CAGTCACTGTTGTAATCATTTATCTTTTGGTGATCTTTTTTCTTCCTTCCCCTCTCTTCA[T>C]TTCCAGGAAAGCCAGGTCCTCATGGTGATTTGGGTTTTAAAGGAATCAAAGGCCTCCTGG-3'

ClinVar aggregate classification (germline): Likely benign. Review status: criteria provided, multiple submitters, no conflicts (2 of 4 stars). 2 submissions from 2 submitters: Likely benign (2). Last evaluated 2025-09-19.

Conditions:
COL4A3-related disorder. Also called: COL4A3-related condition; COL4A3-Related Disorders.

Allele frequency attached by ClinVar (database versions not stated): gnomAD 0.00001; gnomAD exomes 0.00001; TOPMed 0.00001.
gnomAD v4.1: 15 of 1,594,104 alleles (0.00094%); highest among the groups gnomAD compares: African/African-American, 0.011%; no homozygotes.

Submissions (2):

Labcorp Genetics (formerly Invitae), Labcorp
Classification: Likely benign. Last evaluated: 2025-09-19. Review status: criteria provided, single submitter. Criteria: Invitae Variant Classification Sherloc (09022015). Collection method: clinical testing. Allele origin: germline.

PreventionGenetics, part of Exact Sciences
Classification: Likely benign for COL4A3-related condition. Last evaluated: 2025-07-08. Review status: criteria provided, single submitter. Criteria: ACMG Guidelines, 2015. Collection method: clinical testing. Allele origin: germline.
Comment: This variant is classified as likely benign based on ACMG/AMP sequence variant interpretation guidelines (Richards et al. 2015 PMID: 25741868, with internal and published modifications).